The following is an entry in ClinVar:

NM_177438.3(DICER1):c.3943C>T (p.Leu1315Phe)

Gene: DICER1 (dicer 1, ribonuclease III; minus strand). Cytogenetic location: 14q32.13.
Variant type: single nucleotide variant.
Coding change: c.3943C>T on transcript NM_177438.3 (MANE Select); coding-DNA position 3943, C replaced by T.
Protein change: p.Leu1315Phe; replaces leucine 1315 with phenylalanine.
Molecular consequence: missense variant.
Genome position (GRCh38, 1-based): chr14:95,103,453, G>A on the plus strand (C>T on the coding strand, the complement: DICER1 is on the minus strand). VCF-style: chr14-95103453-G-A. GRCh37 (hg19) VCF-style: chr14-95569790-G-A.
Other names: c.3943C>T, p.Leu1315Phe (NM_001195573.1, NM_001271282.3, NM_001291628.2 and 1 more transcripts); short protein forms L1315F.
Identifiers: ClinVar variation 570731 (VCV000570731.11), dbSNP rs1566766844, ClinGen allele CA390873116.

ClinVar aggregate classification (germline): Uncertain significance. Review status: criteria provided, multiple submitters, no conflicts (2 of 4 stars). 2 submissions from 2 submitters: Uncertain significance (2). Last evaluated 2025-05-11.

Conditions:
Hereditary cancer-predisposing syndrome. Also called: Hereditary neoplastic syndrome; Neoplastic Syndromes, Hereditary; Hereditary Cancer Syndrome; Tumor predisposition. Identifiers: Orphanet 140162, MedGen C0027672, MeSH D009386, MONDO:0015356.
DICER1-related tumor predisposition. Also called: DICER1 syndrome; DICER1-related pleuropulmonary blastoma cancer predisposition syndrome. Identifiers: Orphanet 284343, MedGen C3839822, MONDO:0100216.

Submissions (2):

Ambry Genetics
Classification: Uncertain significance for Hereditary cancer-predisposing syndrome. Last evaluated: 2025-05-11. Review status: criteria provided, single submitter. Criteria: Ambry Variant Classification Scheme 2023. Collection method: clinical testing. Allele origin: germline.
Comment: The p.L1315F variant (also known as c.3943C>T), located in coding exon 20 of the DICER1 gene, results from a C to T substitution at nucleotide position 3943. The leucine at codon 1315 is replaced by phenylalanine, an amino acid with highly similar properties. This amino acid position is conserved. In addition, this alteration is predicted to be deleterious by in silico analysis. Based on the available evidence, the clinical significance of this variant remains unclear.

Labcorp Genetics (formerly Invitae), Labcorp
Classification: Uncertain significance for DICER1-related tumor predisposition. Last evaluated: 2024-10-30. Review status: criteria provided, single submitter. Criteria: Invitae Variant Classification Sherloc (09022015). Collection method: clinical testing. Allele origin: germline.
Comment: This sequence change replaces leucine, which is neutral and non-polar, with phenylalanine, which is neutral and non-polar, at codon 1315 of the DICER1 protein (p.Leu1315Phe). This variant is not present in population databases (gnomAD no frequency). This variant has not been reported in the literature in individuals affected with DICER1-related conditions. ClinVar contains an entry for this variant (Variation ID: 570731). Invitae Evidence Modeling of protein sequence and biophysical properties (such as structural, functional, and spatial information, amino acid conservation, physicochemical variation, residue mobility, and thermodynamic stability) has been performed for this missense variant. However, the output from this modeling did not meet the statistical confidence thresholds required to predict the impact of this variant on DICER1 protein function. In summary, the available evidence is currently insufficient to determine the role of this variant in disease. Therefore, it has been classified as a Variant of Uncertain Significance.